The following is an entry in ClinVar:

NM_001004334.4(GPR179):c.5385C>T (p.Gly1795=)

Gene: GPR179 (G protein-coupled receptor 179; minus strand). Cytogenetic location: 17q12.
Variant type: single nucleotide variant.
Coding change: c.5385C>T on transcript NM_001004334.4 (MANE Select); coding-DNA position 5385, C replaced by T.
Protein change: p.Gly1795=; no amino-acid change (glycine 1795 retained).
Molecular consequence: synonymous variant.
Genome position (GRCh38, 1-based): chr17:38,328,184, G>A on the plus strand (C>T on the coding strand, the complement: GPR179 is on the minus strand). VCF-style: chr17-38328184-G-A. GRCh37 (hg19) VCF-style: chr17-36484067-G-A.
Identifiers: ClinVar variation 522292 (VCV000522292.16), dbSNP rs72832276, ClinGen allele CA290103594.

ClinVar aggregate classification (germline): Benign. Review status: criteria provided, multiple submitters, no conflicts (2 of 4 stars). 3 submissions from 3 submitters: Benign (3). Last evaluated 2026-02-02.

Conditions:
Congenital stationary night blindness 1E. Also called: Night blindness, congenital stationary (complete), 1E, autosomal recessive. Identifiers: Orphanet 215, MedGen C3281215, MONDO:0013807, OMIM 614565.

Allele frequency attached by ClinVar (database versions not stated): 1000 Genomes Project 30x 0.00921; 1000 Genomes Project 0.00958; ExAC 0.01570; TOPMed 0.01629; gnomAD exomes 0.01654 and 0.02264; gnomAD 0.01767 and 0.01811; ESP Exome Variant Server 0.01800.
gnomAD v4.1: 35,648 of 1,612,466 alleles (2.2%); highest among the groups gnomAD compares: Non-Finnish European, 2.6%; 454 homozygotes.

Submissions (3):

Labcorp Genetics (formerly Invitae), Labcorp
Classification: Benign. Last evaluated: 2026-02-02. Review status: criteria provided, single submitter. Criteria: Invitae Variant Classification Sherloc (09022015). Collection method: clinical testing. Allele origin: germline.

Illumina Laboratory Services, Illumina
Classification: Benign for Congenital stationary night blindness 1E. Last evaluated: 2018-01-13. Review status: criteria provided, single submitter. Criteria: ICSL Variant Classification Criteria 13 December 2019. Collection method: clinical testing. Allele origin: germline.
Comment: This variant was observed in the ICSL laboratory as part of a predisposition screen in an ostensibly healthy population. It had not been previously curated by ICSL or reported in the Human Gene Mutation Database (HGMD: prior to June 1st, 2018), and was therefore a candidate for classification through an automated scoring system. Utilizing variant allele frequency, disease prevalence and penetrance estimates, and inheritance mode, an automated score was calculated to assess if this variant is too frequent to cause the disease. Based on the score and internal cut-off values, a variant classified as benign is not then subjected to further curation. The score for this variant resulted in a classification of benign for this disease.

Breakthrough Genomics
Classification: Benign. Review status: criteria provided, single submitter. Criteria: ACMG Guidelines, 2015. Collection method: not provided. Allele origin: germline. Inheritance: Autosomal recessive inheritance. Affected: yes.